The following is an entry in ClinVar:

ClinVar aggregate classification (germline): Uncertain significance. Review status: criteria provided, multiple submitters, no conflicts (2 of 4 stars). 2 submissions from 2 submitters: Uncertain significance (2). Last evaluated 2026-07-06.

Conditions:
Hereditary cancer-predisposing syndrome. Also called: Hereditary Cancer Syndrome; Neoplastic Syndromes, Hereditary; Hereditary neoplastic syndrome; Tumor predisposition. Identifiers: Orphanet 140162, MedGen C0027672, MeSH D009386, MONDO:0015356.
Retinoblastoma (RB1). Also called: RETINOBLASTOMA, SOMATIC. Identifiers: Orphanet 790, MedGen C0035335, MeSH D012175, MONDO:0008380, OMIM 180200, HP:0009919. Disease mechanism: loss of function. Inheritance: Both sporadic and heritable forms are tested..

gnomAD v4.1: 1 of 1,613,768 alleles (0.000062%); highest among the groups gnomAD compares: Non-Finnish European, 0.000085%; no homozygotes.

Submissions (2):

Ambry Genetics
Classification: Uncertain significance for Hereditary cancer-predisposing syndrome. Last evaluated: 2026-07-06. Review status: criteria provided, single submitter. Criteria: Ambry Variant Classification Scheme 2023. Collection method: clinical testing. Allele origin: germline.
Comment: The p.R272K variant (also known as c.815G>A), located in coding exon 8 of the RB1 gene, results from a G to A substitution at nucleotide position 815. The arginine at codon 272 is replaced by lysine, an amino acid with highly similar properties. This amino acid position is conserved. In addition, this alteration is predicted to be tolerated by in silico analysis. Based on the available evidence, the clinical significance of this variant remains unclear.

Labcorp Genetics (formerly Invitae), Labcorp
Classification: Uncertain significance for Retinoblastoma. Last evaluated: 2025-12-03. Review status: criteria provided, single submitter. Criteria: Invitae Variant Classification Sherloc (09022015). Collection method: clinical testing. Allele origin: germline.
Comment: This sequence change replaces arginine, which is basic and polar, with lysine, which is basic and polar, at codon 272 of the RB1 protein (p.Arg272Lys). This variant is not present in population databases (gnomAD no frequency). This variant has not been reported in the literature in individuals affected with RB1-related conditions. ClinVar contains an entry for this variant (Variation ID: 1412626). Invitae Evidence Modeling of protein sequence and biophysical properties (such as structural, functional, and spatial information, amino acid conservation, physicochemical variation, residue mobility, and thermodynamic stability) indicates that this missense variant is not expected to disrupt RB1 protein function with a negative predictive value of 80%. In summary, the available evidence is currently insufficient to determine the role of this variant in disease. Therefore, it has been classified as a Variant of Uncertain Significance.

NM_000321.3(RB1):c.815G>A (p.Arg272Lys)

Gene: RB1 (RB transcriptional corepressor 1; plus strand). Cytogenetic location: 13q14.2.
Variant type: single nucleotide variant.
Coding change: c.815G>A on transcript NM_000321.3 (MANE Select); coding-DNA position 815, G replaced by A.
Protein change: p.Arg272Lys; replaces arginine 272 with lysine.
Molecular consequence: missense variant.
Genome position (GRCh38, 1-based): chr13:48,362,911, G>A. VCF-style: chr13-48362911-G-A. GRCh37 (hg19) VCF-style: chr13-48937047-G-A.
Other names: c.815G>A (NM_000321.2); short protein forms R272K.
Identifiers: ClinVar variation 1412626 (VCV001412626.7), dbSNP rs2138112612, ClinGen allele CA388159543.